The following is an entry in ClinVar:

ClinVar aggregate classification (germline): Conflicting classifications of pathogenicity. Review status: criteria provided, conflicting classifications (1 of 4 stars). 4 submissions from 4 submitters: Uncertain significance (1); Likely benign (3). Last evaluated 2026-01-26.

Conditions:
Maturity-onset diabetes of the young (MODY). Also called: Maturity onset diabetes mellitus in young. Identifiers: Orphanet 552, MedGen C0342276, MONDO:0018911, HP:0004904.

Allele frequency attached by ClinVar (database versions not stated): gnomAD exomes 0.00004 and 0.00005; ExAC 0.00005; gnomAD 0.00005 and 0.00006; ESP Exome Variant Server 0.00008; TOPMed 0.00009.
gnomAD v4.1: 75 of 1,613,906 alleles (0.0046%); highest among the groups gnomAD compares: Middle Eastern, 0.049%; no homozygotes.

Submissions (4):

Labcorp Genetics (formerly Invitae), Labcorp
Classification: Likely benign. Last evaluated: 2026-01-26. Review status: criteria provided, single submitter. Criteria: Invitae Variant Classification Sherloc (09022015). Collection method: clinical testing. Allele origin: germline.

Women's Health and Genetics/Laboratory Corporation of America, LabCorp
Classification: Likely benign. Last evaluated: 2023-02-20. Review status: criteria provided, single submitter. Criteria: LabCorp Variant Classification Summary - May 2015. Collection method: clinical testing. Allele origin: germline.
Comment: Variant summary: HNF1B c.1339+17G>A alters a non-conserved nucleotide located close to a canonical splice site and therefore could affect mRNA splicing, leading to a significantly altered protein sequence. 4/4 computational tools predict no significant impact on normal splicing. However, these predictions have yet to be confirmed by functional studies. The variant allele was found at a frequency of 5.2e-05 in 251478 control chromosomes. The observed variant frequency is approximately 20.68 fold of the estimated maximal expected allele frequency for a pathogenic variant in HNF1B causing Maturity Onset Diabetes Of The Young 5 (Renal Cysts And Diabetes Syndrome) phenotype (2.5e-06), strongly suggesting that the variant is benign. To our knowledge, no occurrence of c.1339+17G>A in individuals affected with Maturity Onset Diabetes Of The Young 5 (Renal Cysts And Diabetes Syndrome) and no experimental evidence demonstrating its impact on protein function have been reported. Two clinical diagnostic laboratories have submitted clinical-significance assessments for this variant to ClinVar after 2014 without evidence for independent evaluation. One laboratory classified the variant as likely benign, and one laboratory classified the variant as uncertain significance. Based on the evidence outlined above, the variant was classified as likely benign.

Athena Diagnostics
Classification: Uncertain significance. Last evaluated: 2017-01-26. Review status: criteria provided, single submitter. Criteria: Athena Diagnostics Criteria. Collection method: clinical testing. Allele origin: germline.

Clinical Genomics, Uppaluri K&H Personalized Medicine Clinic
Classification: Likely benign for Maturity-onset diabetes of the young. Review status: criteria provided, single submitter. Criteria: K & H Uppaluri Personalized Medicine Clinic Variant Classification & Assertion Criteria_Updated V.1. Collection method: research. Allele origin: unknown. Inheritance: Autosomal dominant inheritance.
Comment: HNF1B gene mutations are associated with early onset diabetes and pancreatic atrophy. It is also associated with multiple renal manifestations including renal cysts, Tubulointerstitial disease, glomerulocystic disease, renal hypoplasia, hypomagnesemia. However no sufficient evidence is found to ascertain the role of this particular variant rs374854968, yet.

Literature cited by the submitters: PubMed 24897035 (cited by Clinical Genomics, Uppaluri K&H Personalized Medicine Clinic); PubMed 25536396 (cited by Clinical Genomics, Uppaluri K&H Personalized Medicine Clinic); PubMed 27615128 (cited by Clinical Genomics, Uppaluri K&H Personalized Medicine Clinic); PubMed 28215227 (cited by Clinical Genomics, Uppaluri K&H Personalized Medicine Clinic); PubMed 33434175 (cited by Clinical Genomics, Uppaluri K&H Personalized Medicine Clinic); PubMed 25741167 (cited by Clinical Genomics, Uppaluri K&H Personalized Medicine Clinic); PubMed 26340261 (cited by Clinical Genomics, Uppaluri K&H Personalized Medicine Clinic); PubMed 19639018 (cited by Clinical Genomics, Uppaluri K&H Personalized Medicine Clinic).

NM_000458.4(HNF1B):c.1339+17G>A

Gene: HNF1B (HNF1 homeobox B; minus strand). Cytogenetic location: 17q12.
Variant type: single nucleotide variant.
Coding change: c.1339+17G>A on transcript NM_000458.4 (MANE Select); 17 bases into the intron after coding-DNA position 1339, G replaced by A.
Molecular consequence: intron variant.
Genome position (GRCh38, 1-based): chr17:37,704,900, C>T on the plus strand (G>A on the coding strand, the complement: HNF1B is on the minus strand). VCF-style: chr17-37704900-C-T. GRCh37 (hg19) VCF-style: chr17-36064907-C-T.
Other names: c.1261+17G>A (NM_001304286.2, NM_001165923.4); c.1339+17G>A (NM_000458.3).
Identifiers: ClinVar variation 447511 (VCV000447511.7), dbSNP rs374854968, ClinGen allele CA8518838.